The following is an entry in ClinVar:

ClinVar aggregate classification (germline): Conflicting classifications of pathogenicity. Review status: criteria provided, conflicting classifications (1 of 4 stars). 5 submissions from 5 submitters: Uncertain significance (2); Likely benign (3). Last evaluated 2026-01-19.

Conditions:
Ehlers-Danlos syndrome, classic type, 1 (EDSCL1). Also called: EHLERS-DANLOS SYNDROME, GRAVIS TYPE; EHLERS-DANLOS SYNDROME, SEVERE CLASSIC TYPE; EDS I; Ehlers-Danlos Syndrome, Classic Type, COL5A1-Related; Ehlers-Danlos syndrome, type 1. Identifiers: MedGen C0268335, MONDO:0019567, OMIM 130000.
Familial thoracic aortic aneurysm and aortic dissection (TAAD). Also called: Thoracic aortic aneurysms and dissections. Identifiers: Orphanet 91387, MedGen C4707243, MONDO:0019625.

Allele frequency attached by ClinVar (database versions not stated): gnomAD exomes 0.00002 and 0.00004; gnomAD 0.00007 and 0.00006; 1000 Genomes Project 30x 0.00016; 1000 Genomes Project 0.00020; ESP Exome Variant Server 0.00015; TOPMed 0.00004; ExAC 0.00005.
gnomAD v4.1: 40 of 1,613,146 alleles (0.0025%); highest among the groups gnomAD compares: African/African-American, 0.021%; no homozygotes.

Submissions (5):

Labcorp Genetics (formerly Invitae), Labcorp
Classification: Likely benign for Ehlers-Danlos syndrome, classic type, 1. Last evaluated: 2026-01-19. Review status: criteria provided, single submitter. Criteria: Invitae Variant Classification Sherloc (09022015). Collection method: clinical testing. Allele origin: germline.

Ambry Genetics
Classification: Likely benign for Familial thoracic aortic aneurysm and aortic dissection. Last evaluated: 2025-12-21. Review status: criteria provided, single submitter. Criteria: Ambry Variant Classification Scheme 2023. Collection method: clinical testing. Allele origin: germline.

Mayo Clinic Laboratories, Mayo Clinic
Classification: Likely benign. Last evaluated: 2025-02-24. Review status: criteria provided, single submitter. Criteria: ACMG Guidelines, 2015. Collection method: clinical testing. Allele origin: germline. Observed: 2 variant alleles.
Comment: BS1

GeneDx
Classification: Uncertain significance. Last evaluated: 2020-01-07. Review status: criteria provided, single submitter. Criteria: GeneDx Variant Classification Process June 2021. Collection method: clinical testing. Allele origin: germline. Affected: yes.
Comment: Has not been previously published as pathogenic or benign to our knowledge; Reported in ClinVar as a variant of uncertain significance (ClinVar Variant ID# 496938; Landrum et al., 2016); In silico analysis, which includes protein predictors and evolutionary conservation, supports that this variant does not alter protein structure/function

Eurofins Ntd Llc (ga)
Classification: Uncertain significance. Last evaluated: 2017-01-06. Review status: criteria provided, single submitter. Criteria: EGL Classification Definitions 2015. Collection method: clinical testing. Allele origin: germline. Observed: 2 variant alleles, 2 heterozygotes.

NM_000393.5(COL5A2):c.985A>G (p.Met329Val)

Gene: COL5A2 (collagen type V alpha 2 chain; minus strand). Cytogenetic location: 2q32.2.
Variant type: single nucleotide variant.
Coding change: c.985A>G on transcript NM_000393.5 (MANE Select); coding-DNA position 985, A replaced by G.
Protein change: p.Met329Val; replaces methionine 329 with valine.
Molecular consequence: missense variant.
Genome position (GRCh38, 1-based): chr2:189,079,083, T>C on the plus strand (A>G on the coding strand, the complement: COL5A2 is on the minus strand). VCF-style: chr2-189079083-T-C. GRCh37 (hg19) VCF-style: chr2-189943809-T-C.
Other names: p.Met329Val; short protein forms M329V.
Identifiers: ClinVar variation 496938 (VCV000496938.18), dbSNP rs140785678, ClinGen allele CA2022874.